The following is an entry in ClinVar:

NM_000391.4(TPP1):c.1267-2A>G

Gene: TPP1 (tripeptidyl peptidase 1; minus strand). Cytogenetic location: 11p15.4.
Variant type: single nucleotide variant.
Coding change: c.1267-2A>G on transcript NM_000391.4 (MANE Select); the canonical splice acceptor site of the intron before coding-DNA position 1267, A replaced by G.
Molecular consequence: splice acceptor variant.
Genome position (GRCh38, 1-based): chr11:6,615,331, T>C on the plus strand (A>G on the coding strand, the complement: TPP1 is on the minus strand). VCF-style: chr11-6615331-T-C. GRCh37 (hg19) VCF-style: chr11-6636562-T-C.
Identifiers: ClinVar variation 852698 (VCV000852698.6), dbSNP rs1855562978, ClinGen allele CA379472848.

ClinVar aggregate classification (germline): Likely pathogenic (1 of 4 stars; one submission).

Submission:

Labcorp Genetics (formerly Invitae), Labcorp
Classification: Likely pathogenic. Last evaluated: 2023-01-22. Review status: criteria provided, single submitter. Criteria: Invitae Variant Classification Sherloc (09022015). Collection method: clinical testing. Allele origin: germline.
Comment: This variant is not present in population databases (gnomAD no frequency). In summary, the currently available evidence indicates that the variant is pathogenic, but additional data are needed to prove that conclusively. Therefore, this variant has been classified as Likely Pathogenic. Algorithms developed to predict the effect of sequence changes on RNA splicing suggest that this variant may disrupt the consensus splice site. ClinVar contains an entry for this variant (Variation ID: 852698). This variant has not been reported in the literature in individuals affected with TPP1-related conditions. This sequence change affects an acceptor splice site in intron 10 of the TPP1 gene. It is expected to disrupt RNA splicing. Variants that disrupt the donor or acceptor splice site typically lead to a loss of protein function (PMID: 16199547), and loss-of-function variants in TPP1 are known to be pathogenic (PMID: 10330339).

Literature cited by the submitters: PubMed 16199547; PubMed 10330339.